The following is an entry in ClinVar:

ClinVar aggregate classification (germline): Uncertain significance (1 of 4 stars; one submission).

Conditions:
Fanconi anemia complementation group O. Also called: RAD51C-Related Fanconi Anemia. Identifiers: Orphanet 84, MedGen C3150653, MONDO:0013248, OMIM 613390.

Submission:

Labcorp Genetics (formerly Invitae), Labcorp
Classification: Uncertain significance for Fanconi anemia complementation group O. Last evaluated: 2023-05-11. Review status: criteria provided, single submitter. Criteria: Invitae Variant Classification Sherloc (09022015). Collection method: clinical testing. Allele origin: germline.
Comment: In summary, the available evidence is currently insufficient to determine the role of this variant in disease. Therefore, it has been classified as a Variant of Uncertain Significance. Advanced modeling of protein sequence and biophysical properties (such as structural, functional, and spatial information, amino acid conservation, physicochemical variation, residue mobility, and thermodynamic stability) performed at Invitae indicates that this missense variant is not expected to disrupt RAD51C protein function. This variant has not been reported in the literature in individuals affected with RAD51C-related conditions. This variant is not present in population databases (gnomAD no frequency). This sequence change replaces phenylalanine, which is neutral and non-polar, with isoleucine, which is neutral and non-polar, at codon 229 of the RAD51C protein (p.Phe229Ile).

NM_058216.3(RAD51C):c.685T>A (p.Phe229Ile)

Genes: RAD51C (RAD51 paralog C; plus strand), LOC129390903 (MPRA-validated peak2919 silencer; plus strand). Cytogenetic location: 17q22.
Variant type: single nucleotide variant.
Coding change: c.685T>A on transcript NM_058216.3 (MANE Select); coding-DNA position 685, T replaced by A.
Protein change: p.Phe229Ile; replaces phenylalanine 229 with isoleucine.
Molecular consequence: missense variant. On other transcripts: non-coding transcript variant (1).
Genome position (GRCh38, 1-based): chr17:58,703,309, T>A. VCF-style: chr17-58703309-T-A. GRCh37 (hg19) VCF-style: chr17-56780670-T-A.
Other names: c.*113T>A (NM_058217.1); short protein forms F229I.
Identifiers: ClinVar variation 2863056 (VCV002863056.3), dbSNP rs2143801377, ClinGen allele CA400350018.